The following is an entry in ClinVar:

ClinVar aggregate classification (germline): Uncertain significance. Review status: criteria provided, multiple submitters, no conflicts (2 of 4 stars). 4 submissions from 4 submitters: Uncertain significance (4). Last evaluated 2025-11-09.

Conditions:
Hereditary cancer-predisposing syndrome. Also called: Neoplastic Syndromes, Hereditary; Tumor predisposition; Hereditary Cancer Syndrome; Hereditary neoplastic syndrome. Identifiers: Orphanet 140162, MedGen C0027672, MeSH D009386, MONDO:0015356.
BAP1-related tumor predisposition syndrome (TPDS1). Also called: Tumor susceptibility linked to germline BAP1 mutations; COMMON Syndrome; TUMOR PREDISPOSITION SYNDROME 1; BAP1 tumor predisposition syndrome. Identifiers: Orphanet 289539, MedGen C3280492, MONDO:0013692, OMIM 614327.

Submissions (4):

Labcorp Genetics (formerly Invitae), Labcorp
Classification: Uncertain significance for BAP1-related tumor predisposition syndrome. Last evaluated: 2025-11-09. Review status: criteria provided, single submitter. Criteria: Invitae Variant Classification Sherloc (09022015). Collection method: clinical testing. Allele origin: germline.
Comment: This sequence change replaces isoleucine, which is neutral and non-polar, with leucine, which is neutral and non-polar, at codon 263 of the BAP1 protein (p.Ile263Leu). This variant is not present in population databases (gnomAD no frequency). This variant has not been reported in the literature in individuals affected with BAP1-related conditions. ClinVar contains an entry for this variant (Variation ID: 923506). Invitae Evidence Modeling of protein sequence and biophysical properties (such as structural, functional, and spatial information, amino acid conservation, physicochemical variation, residue mobility, and thermodynamic stability) indicates that this missense variant is not expected to disrupt BAP1 protein function with a negative predictive value of 80%. In summary, the available evidence is currently insufficient to determine the role of this variant in disease. Therefore, it has been classified as a Variant of Uncertain Significance.

Ambry Genetics
Classification: Uncertain significance for Hereditary cancer-predisposing syndrome. Last evaluated: 2024-12-07. Review status: criteria provided, single submitter. Criteria: Ambry Variant Classification Scheme 2023. Collection method: clinical testing. Allele origin: germline.
Comment: The p.I263L variant (also known as c.787A>C), located in coding exon 10 of the BAP1 gene, results from an A to C substitution at nucleotide position 787. The isoleucine at codon 263 is replaced by leucine, an amino acid with highly similar properties. This amino acid position is highly conserved in available vertebrate species. In addition, this alteration is predicted to be tolerated by in silico analysis. Since supporting evidence is limited at this time, the clinical significance of this alteration remains unclear.

Color Diagnostics, LLC DBA Color Health
Classification: Uncertain significance for Hereditary cancer-predisposing syndrome. Last evaluated: 2024-03-06. Review status: criteria provided, single submitter. Criteria: ACMG Guidelines, 2015. Collection method: clinical testing. Allele origin: germline.
Comment: This missense variant replaces isoleucine with leucine at codon 263 of the BAP1 protein. Computational prediction suggests that this variant may not impact protein structure and function (internally defined REVEL score threshold <= 0.5, PMID: 27666373). Splice site prediction tools suggest that this variant may not impact RNA splicing. To our knowledge, functional studies have not been reported for this variant. This variant has not been reported in individuals affected with hereditary cancer in the literature. This variant has not been identified in the general population by the Genome Aggregation Database (gnomAD). The available evidence is insufficient to determine the role of this variant in disease conclusively. Therefore, this variant is classified as a Variant of Uncertain Significance.

GeneDx
Classification: Uncertain significance. Last evaluated: 2023-08-20. Review status: criteria provided, single submitter. Criteria: GeneDx Variant Classification Process June 2021. Collection method: clinical testing. Allele origin: germline. Affected: yes.
Comment: Not observed at significant frequency in large population cohorts (gnomAD); In silico analysis supports that this missense variant does not alter protein structure/function; Has not been previously published as pathogenic or benign to our knowledge

NM_004656.4(BAP1):c.787A>C (p.Ile263Leu)

Gene: BAP1 (BRCA1 associated deubiquitinase 1; minus strand). Cytogenetic location: 3p21.1.
Variant type: single nucleotide variant.
Coding change: c.787A>C on transcript NM_004656.4 (MANE Select); coding-DNA position 787, A replaced by C.
Protein change: p.Ile263Leu; replaces isoleucine 263 with leucine.
Molecular consequence: missense variant.
Genome position (GRCh38, 1-based): chr3:52,405,909, T>G on the plus strand (A>C on the coding strand, the complement: BAP1 is on the minus strand). VCF-style: chr3-52405909-T-G. GRCh37 (hg19) VCF-style: chr3-52439925-T-G.
Other names: short protein forms I263L.
Identifiers: ClinVar variation 923506 (VCV000923506.13), dbSNP rs370841382, ClinGen allele CA353106971.
Genomic context (GRCh38, chr3:52,405,909, plus strand): 5'-CAGGCAGCTGTGACTCTTGAGACTTGTGGGTCTGAATCAGCTCTGGCTGTGTTACTCTTA[T>G]CAGCTAACAACAGAATCCAGGGCTCAGAGGAGAAAGGGTAGACCCGGGCTTCTACCTTAA-3'
Protein context (NP_004647.1, residues 253-273): QTVLEALQQL[Ile263Leu]RVTQPELIQT